The following is an entry in ClinVar:

ClinVar aggregate classification (germline): Uncertain significance (1 of 4 stars; one submission).

Conditions:
Dyskeratosis congenita. Identifiers: Orphanet 1775, MedGen C0265965, MONDO:0015780.

Submission:

Labcorp Genetics (formerly Invitae), Labcorp
Classification: Uncertain significance for Dyskeratosis congenita. Last evaluated: 2023-02-09. Review status: criteria provided, single submitter. Criteria: Invitae Variant Classification Sherloc (09022015). Collection method: clinical testing. Allele origin: germline.
Comment: This variant, c.120_122del, results in the deletion of 1 amino acid(s) of the NHP2 protein (p.Arg42del), but otherwise preserves the integrity of the reading frame. This variant is not present in population databases (gnomAD no frequency). This variant has not been reported in the literature in individuals affected with NHP2-related conditions. Experimental studies and prediction algorithms are not available or were not evaluated, and the functional significance of this variant is currently unknown. In summary, the available evidence is currently insufficient to determine the role of this variant in disease. Therefore, it has been classified as a Variant of Uncertain Significance.

NM_017838.4(NHP2):c.120_122del (p.Arg42del)

Gene: NHP2 (NHP2 ribonucleoprotein; minus strand). Cytogenetic location: 5q35.3.
Variant type: Deletion.
Coding change: c.120_122del on transcript NM_017838.4 (MANE Select); coding-DNA positions 120 to 122, 3 bases deleted (TCG; older notation c.120_122delTCG).
Protein change: p.Arg42del; deletes arginine 42.
Molecular consequence: inframe deletion.
Genome position (GRCh38, 1-based): chr5:178,153,696-178,153,698, CGA deleted on the plus strand (TCG on the coding strand, the reverse complement: NHP2 is on the minus strand). VCF-style (leftmost placement, unchanged base first): chr5-178153695-GCGA-G. GRCh37 (hg19) VCF-style: chr5-177580696-GCGA-G.
Other names: c.120_122del, p.Arg42del (NM_001034833.2, NM_001396110.1); short protein forms R42del.
Identifiers: ClinVar variation 2832977 (VCV002832977.3), dbSNP rs2480692060, ClinGen allele CA2739272798.